The following is an entry in ClinVar:

NM_001365276.2(TNXB):c.1473C>G (p.Asp491Glu)

Gene: TNXB (tenascin XB; minus strand). Cytogenetic location: 6p21.33.
Variant type: single nucleotide variant.
Coding change: c.1473C>G on transcript NM_001365276.2 (MANE Select); coding-DNA position 1473, C replaced by G.
Protein change: p.Asp491Glu; replaces aspartic acid 491 with glutamic acid.
Molecular consequence: missense variant.
Genome position (GRCh38, 1-based): chr6:32,096,380, G>C on the plus strand (C>G on the coding strand, the complement: TNXB is on the minus strand). VCF-style: chr6-32096380-G-C. GRCh37 (hg19) VCF-style: chr6-32064157-G-C.
Other names: c.1473C>G, p.Asp491Glu (NM_019105.8); short protein forms D491E.
Identifiers: ClinVar variation 2451164 (VCV002451164.2), dbSNP rs776095619, ClinGen allele CA363480906.
Genomic context (GRCh38, chr6:32,096,380, plus strand): 5'-GCGGCCATCCACGCAGCGCCCGCGCCCGCGACAGTCGCCAGGACAGGCGCGCGTGCCGCA[G>C]TCCCGGCCTGTGTACCCCGGCCAACACATGCAGCGGCCACTCTCACAGCGGCCCCGGCCA-3'
Protein context (NP_001352205.1, residues 481-501): CMCWPGYTGR[Asp491Glu]CGTRACPGDC

ClinVar aggregate classification (germline): Uncertain significance (1 of 4 stars; one submission).

Conditions:
Cardiovascular phenotype. Identifiers: MedGen CN230736.

Submission:

Ambry Genetics
Classification: Uncertain significance for Cardiovascular phenotype. Last evaluated: 2023-01-20. Review status: criteria provided, single submitter. Criteria: Ambry Variant Classification Scheme 2023. Collection method: clinical testing. Allele origin: germline.
Comment: The p.D491E variant (also known as c.1473C>G), located in coding exon 2 of the TNXB gene, results from a C to G substitution at nucleotide position 1473. The aspartic acid at codon 491 is replaced by glutamic acid, an amino acid with highly similar properties. This amino acid position is conserved. In addition, this alteration is predicted to be tolerated by in silico analysis. Since supporting evidence is limited at this time, the clinical significance of this alteration remains unclear.